The following is an entry in ClinVar:

NM_004064.5(CDKN1B):c.200A>C (p.His67Pro)

Gene: CDKN1B (cyclin dependent kinase inhibitor 1B; plus strand). Cytogenetic location: 12p13.1.
Variant type: single nucleotide variant.
Coding change: c.200A>C on transcript NM_004064.5 (MANE Select); coding-DNA position 200, A replaced by C.
Protein change: p.His67Pro; replaces histidine 67 with proline.
Molecular consequence: missense variant.
Genome position (GRCh38, 1-based): chr12:12,718,039, A>C. VCF-style: chr12-12718039-A-C. GRCh37 (hg19) VCF-style: chr12-12870973-A-C.
Other names: c.200A>C (NM_004064.3); short protein forms H67P.
Identifiers: ClinVar variation 2818238 (VCV002818238.4), dbSNP rs1946490856, ClinGen allele CA383969461.
Genomic context (GRCh38, chr12:12,718,039, plus strand): 5'-AGCACTGCAGAGACATGGAAGAGGCGAGCCAGCGCAAGTGGAATTTCGATTTTCAGAATC[A>C]CAAACCCCTAGAGGGCAAGTACGAGTGGCAAGAGGTGGAGAAGGGCAGCTTGCCCGAGTT-3'
Protein context (NP_004055.1, residues 57-77): QRKWNFDFQN[His67Pro]KPLEGKYEWQ

ClinVar aggregate classification (germline): Uncertain significance. Review status: criteria provided, multiple submitters, no conflicts (2 of 4 stars). 2 submissions from 2 submitters: Uncertain significance (2). Last evaluated 2026-09-06.

Conditions:
Multiple endocrine neoplasia type 4. Also called: MULTIPLE ENDOCRINE NEOPLASIA, TYPE IV. Identifiers: Orphanet 276152, MedGen C1970712, MONDO:0012552, OMIM 610755.
Hereditary cancer-predisposing syndrome. Also called: Hereditary Cancer Syndrome; Hereditary neoplastic syndrome; Neoplastic Syndromes, Hereditary; Tumor predisposition. Identifiers: Orphanet 140162, MedGen C0027672, MeSH D009386, MONDO:0015356.

Allele frequency attached by ClinVar (database versions not stated): gnomAD exomes below 0.00001; gnomAD 0.00001; TOPMed below 0.00001.
gnomAD v4.1: 7 of 1,614,126 alleles (0.00043%); highest among the groups gnomAD compares: Non-Finnish European, 0.00059%; no homozygotes.

Submissions (2):

Ambry Genetics
Classification: Uncertain significance for Hereditary cancer-predisposing syndrome. Last evaluated: 2026-09-06. Review status: criteria provided, single submitter. Criteria: Ambry Variant Classification Scheme 2023. Collection method: clinical testing. Allele origin: germline.
Comment: The p.H67P variant (also known as c.200A>C), located in coding exon 1 of the CDKN1B gene, results from an A to C substitution at nucleotide position 200. The histidine at codon 67 is replaced by proline, an amino acid with similar properties. This amino acid position is conserved. In addition, the in silico prediction for this alteration is inconclusive. Based on the available evidence, the clinical significance of this variant remains unclear.

Labcorp Genetics (formerly Invitae), Labcorp
Classification: Uncertain significance for Multiple endocrine neoplasia type 4. Last evaluated: 2025-08-11. Review status: criteria provided, single submitter. Criteria: Invitae Variant Classification Sherloc (09022015). Collection method: clinical testing. Allele origin: germline.
Comment: This sequence change replaces histidine, which is basic and polar, with proline, which is neutral and non-polar, at codon 67 of the CDKN1B protein (p.His67Pro). This variant is not present in population databases (gnomAD no frequency). This variant has not been reported in the literature in individuals affected with CDKN1B-related conditions. ClinVar contains an entry for this variant (Variation ID: 2818238). An algorithm developed to predict the effect of missense changes on protein structure and function (PolyPhen-2) suggests that this variant is likely to be disruptive. In summary, the available evidence is currently insufficient to determine the role of this variant in disease. Therefore, it has been classified as a Variant of Uncertain Significance.